The following is an entry in ClinVar:

NM_078470.6(COX15):c.131G>A (p.Ser44Asn)

Gene: COX15 (cytochrome c oxidase assembly factor COX15; minus strand). Cytogenetic location: 10q24.2.
Variant type: single nucleotide variant.
Coding change: c.131G>A on transcript NM_078470.6 (MANE Select); coding-DNA position 131, G replaced by A.
Protein change: p.Ser44Asn; replaces serine 44 with asparagine.
Molecular consequence: missense variant. On other transcripts: 5 prime UTR variant (1), non-coding transcript variant (1).
Genome position (GRCh38, 1-based): chr10:99,729,694, C>T on the plus strand (G>A on the coding strand, the complement: COX15 is on the minus strand). VCF-style: chr10-99729694-C-T. GRCh37 (hg19) VCF-style: chr10-101489451-C-T.
Other names: c.131G>A, p.Ser44Asn (NM_001320974.2, NM_001320975.2, NM_001372024.1 and 5 more transcripts); c.-324G>A (NM_001320976.2); short protein forms S44N.
Identifiers: ClinVar variation 298420 (VCV000298420.12), dbSNP rs141506146, ClinGen allele CA5642350.

ClinVar aggregate classification (germline): Uncertain significance. Review status: criteria provided, multiple submitters, no conflicts (2 of 4 stars). 6 submissions from 6 submitters: Uncertain significance (6). Last evaluated 2024-10-29.

Conditions:
Leigh syndrome (NULS). Also called: Leigh's syndrome; Subacute necrotizing encephalopathy; Necrotizing encephalopathy infantile subacute of Leigh; LEIGH SYNDROME, NUCLEAR; Leigh's necrotizing encephalopathy; Leigh's disease. Identifiers: Orphanet 506, MedGen C2931891, MONDO:0009723, OMIM 256000.
Cardioencephalomyopathy, fatal infantile, due to cytochrome c oxidase deficiency 2 (MC4DN6). Also called: MITOCHONDRIAL COMPLEX IV DEFICIENCY, NUCLEAR TYPE 6. Identifiers: Orphanet 1561, MedGen C3554534, MONDO:0014051, OMIM 615119.
Inborn genetic diseases. Identifiers: MedGen C0950123, MeSH D030342.

Allele frequency attached by ClinVar (database versions not stated): ESP Exome Variant Server 0.00008; TOPMed 0.00008; gnomAD exomes 0.00010 and 0.00022; gnomAD 0.00011 and 0.00013; ExAC 0.00028.

Submissions (6):

Blueprint Genetics
Classification: Uncertain significance. Last evaluated: 2024-10-29. Review status: criteria provided, single submitter. Criteria: ACMG Guidelines, 2015. Collection method: clinical testing. Allele origin: germline.

Labcorp Genetics (formerly Invitae), Labcorp
Classification: Uncertain significance. Last evaluated: 2024-10-15. Review status: criteria provided, single submitter. Criteria: Invitae Variant Classification Sherloc (09022015). Collection method: clinical testing. Allele origin: germline.
Comment: This sequence change replaces serine, which is neutral and polar, with asparagine, which is neutral and polar, at codon 44 of the COX15 protein (p.Ser44Asn). This variant is present in population databases (rs141506146, gnomAD 0.1%). This variant has not been reported in the literature in individuals affected with COX15-related conditions. ClinVar contains an entry for this variant (Variation ID: 298420). An algorithm developed to predict the effect of missense changes on protein structure and function (PolyPhen-2) suggests that this variant¬†is likely to be tolerated. In summary, the available evidence is currently insufficient to determine the role of this variant in disease. Therefore, it has been classified as a Variant of Uncertain Significance.

GeneDx
Classification: Uncertain significance. Last evaluated: 2023-07-12. Review status: criteria provided, single submitter. Criteria: GeneDx Variant Classification Process June 2021. Collection method: clinical testing. Allele origin: germline. Affected: yes.
Comment: In silico analysis supports that this missense variant does not alter protein structure/function; Has not been previously published as pathogenic or benign to our knowledge

Ambry Genetics
Classification: Uncertain significance for Inborn genetic diseases. Last evaluated: 2021-11-09. Review status: criteria provided, single submitter. Criteria: Ambry Variant Classification Scheme 2023. Collection method: clinical testing. Allele origin: germline.

Fulgent Genetics
Classification: Uncertain significance for Cardioencephalomyopathy, fatal infantile, due to cytochrome c oxidase deficiency 2. Last evaluated: 2021-11-07. Review status: criteria provided, single submitter. Criteria: ACMG Guidelines, 2015. Collection method: clinical testing. Allele origin: unknown.

Illumina Laboratory Services, Illumina
Classification: Uncertain significance for Leigh syndrome. Last evaluated: 2018-01-13. Review status: criteria provided, single submitter. Criteria: ICSL Variant Classification Criteria 13 December 2019. Collection method: clinical testing. Allele origin: germline.